The following is an entry in ClinVar:

ClinVar aggregate classification (germline): Uncertain significance (1 of 4 stars; one submission).

Conditions:
Inborn genetic diseases. Identifiers: MedGen C0950123, MeSH D030342.

Submission:

Ambry Genetics
Classification: Uncertain significance for Inborn genetic diseases. Last evaluated: 2026-04-30. Review status: criteria provided, single submitter. Criteria: Ambry Variant Classification Scheme 2023. Collection method: clinical testing. Allele origin: germline.
Comment: The p.V319L variant (also known as c.955G>C), located in coding exon 6 of the ERCC6L2 gene, results from a G to C substitution at nucleotide position 955. The valine at codon 319 is replaced by leucine, an amino acid with highly similar properties. This amino acid position is conserved. In addition, the in silico prediction for this alteration is inconclusive. Based on the available evidence, the clinical significance of this variant remains unclear.

NM_020207.7(ERCC6L2):c.955G>C (p.Val319Leu)

Gene: ERCC6L2 (ERCC excision repair 6 like 2; plus strand). Cytogenetic location: 9q22.32.
Variant type: single nucleotide variant.
Coding change: c.955G>C on transcript NM_020207.7 (MANE Select); coding-DNA position 955, G replaced by C.
Protein change: p.Val319Leu; replaces valine 319 with leucine.
Molecular consequence: missense variant. On other transcripts: non-coding transcript variant (1).
Genome position (GRCh38, 1-based): chr9:95,916,231, G>C. VCF-style: chr9-95916231-G-C. GRCh37 (hg19) VCF-style: chr9-98678513-G-C.
Other names: c.955G>C, p.Val319Leu (NM_001010895.4, NM_001375291.1, NM_001375292.1 and 2 more transcripts); short protein forms V319L.
Identifiers: ClinVar variation 4870599 (VCV004870599.1).